The following is an entry in ClinVar:

NM_001367624.2(ZNF469):c.7432G>A (p.Ala2478Thr)

Gene: ZNF469 (zinc finger protein 469; plus strand). Cytogenetic location: 16q24.2.
Variant type: single nucleotide variant.
Coding change: c.7432G>A on transcript NM_001367624.2 (MANE Select); coding-DNA position 7432, G replaced by A.
Protein change: p.Ala2478Thr; replaces alanine 2478 with threonine.
Molecular consequence: missense variant.
Genome position (GRCh38, 1-based): chr16:88,434,902, G>A. VCF-style: chr16-88434902-G-A. GRCh37 (hg19) VCF-style: chr16-88501310-G-A.
Other names: p.Ala2478Thr; short protein forms A2478T.
Identifiers: ClinVar variation 1420445 (VCV001420445.6), dbSNP rs528848596, ClinGen allele CA286382676.

ClinVar aggregate classification (germline): Uncertain significance. Review status: criteria provided, multiple submitters, no conflicts (2 of 4 stars). 2 submissions from 2 submitters: Uncertain significance (2). Last evaluated 2025-05-07.

Allele frequency attached by ClinVar (database versions not stated): TOPMed 0.00002; gnomAD 0.00001.
gnomAD v4.1: 34 of 1,550,168 alleles (0.0022%); highest among the groups gnomAD compares: Non-Finnish European, 0.0025%; no homozygotes.

Submissions (2):

Mayo Clinic Laboratories, Mayo Clinic
Classification: Uncertain significance. Last evaluated: 2025-05-07. Review status: criteria provided, single submitter. Criteria: ACMG Guidelines, 2015. Collection method: clinical testing. Allele origin: germline. Observed: 1 variant allele.
Comment: BP4_strong

Labcorp Genetics (formerly Invitae), Labcorp
Classification: Uncertain significance. Last evaluated: 2021-08-30. Review status: criteria provided, single submitter. Criteria: Invitae Variant Classification Sherloc (09022015). Collection method: clinical testing. Allele origin: germline.
Comment: This sequence change replaces alanine with threonine at codon 2450 of the ZNF469 protein (p.Ala2450Thr). The alanine residue is weakly conserved and there is a small physicochemical difference between alanine and threonine. The frequency data for this variant in the population databases is considered unreliable, as metrics indicate insufficient coverage at this position in the ExAC database. This variant has not been reported in the literature in individuals affected with ZNF469-related conditions. Algorithms developed to predict the effect of missense changes on protein structure and function output the following: SIFT: "Deleterious"; PolyPhen-2: "Benign"; Align-GVGD: "Class C0". The threonine amino acid residue is found in multiple mammalian species, which suggests that this missense change does not adversely affect protein function. In summary, the available evidence is currently insufficient to determine the role of this variant in disease. Therefore, it has been classified as a Variant of Uncertain Significance.